The following is an entry in ClinVar:

NM_004360.5(CDH1):c.2490dup (p.Leu831fs)

Gene: CDH1 (cadherin 1; plus strand). Cytogenetic location: 16q22.1.
Variant type: Duplication.
Coding change: c.2490dup on transcript NM_004360.5 (MANE Select); coding-DNA position 2490, one base duplicated (G; older notation c.2490dupG).
Protein change: p.Leu831fs; shifts the reading frame from leucine 831.
Molecular consequence: frameshift variant.
Genome position (GRCh38, 1-based): chr16:68,833,340, G duplicated. VCF-style (leftmost placement, unchanged base first): chr16-68833339-T-TG. GRCh37 (hg19) VCF-style: chr16-68867242-T-TG.
Other names: NM_004360.5(CDH1):c.2490dup; p.Leu831fs; c.2490dup (LRG_301t1); c.2307dup, p.Leu770fs (NM_001317184.2); c.942dup, p.Leu315fs (NM_001317185.2); c.525dup, p.Leu176fs (NM_001317186.2); short protein forms L176fs, L315fs, L831fs, L770fs.
Identifiers: ClinVar variation 428634 (VCV000428634.13), dbSNP rs1131690822, ClinGen allele CA645369680.
Genomic context (GRCh38, chr16:68,833,339, plus strand): 5'-TTCTTCTTTAGAATCTGAAAGCGGCTGATACTGACCCCACAGCCCCGCCTTATGATTCTC[T>TG]GCTCGTGTTTGACTATGAAGGAAGCGGTTCCGAAGCTGCTAGTCTGAGCTCCCTGAACTC-3'

ClinVar aggregate classification (germline): Likely pathogenic. Review status: reviewed by expert panel (3 of 4 stars). 3 submissions from 3 submitters: Likely pathogenic (1). 2 of the submissions do not count toward it. Last evaluated 2023-08-30.

Conditions:
CDH1-related diffuse gastric and lobular breast cancer syndrome. Also called: CDH1-related diffuse gastric and lobular breast cancer. Identifiers: MedGen CN311521, MONDO:0100488.
Hereditary cancer-predisposing syndrome. Also called: Hereditary neoplastic syndrome; Tumor predisposition; Neoplastic Syndromes, Hereditary; Hereditary Cancer Syndrome. Identifiers: Orphanet 140162, MedGen C0027672, MeSH D009386, MONDO:0015356.
Hereditary diffuse gastric adenocarcinoma (HDGC). Also called: DIFFUSE GASTRIC AND LOBULAR BREAST CANCER SYNDROME. Identifiers: Orphanet 26106, MedGen C1708349, MONDO:0007648, OMIM 137215.

Submissions (3):

Clingen Gastric Cancer Variant Curation Expert Panel
Classification: Likely pathogenic for CDH1-related diffuse gastric and lobular breast cancer syndrome. Last evaluated: 2023-08-30. Review status: reviewed by expert panel. Criteria: ClinGen CDH1 ACMG Specifications V3.1. Collection method: curation. Allele origin: germline. Inheritance: Autosomal dominant inheritance.
Comment: The c.2490dupG (p.Leu831AlafsTer4) variant results in a premature stop codon that leads to a truncated protein. It is located within the nonsense mediated decay resistant zone, and upstream of codon 836 where the most 3' pathogenic variant in CDH1 terminates (PVS1_Strong, PMID: 29798843). This variant is absent in the gnomAD cohort (PM2_Supporting). The variant has been reported in a family meeting HDGC criteria (PS4_Supporting; SCV000580713.3). In summary, the clinical significance of this variant is likely pathogenic based on the ACMG/AMP criteria applied as specified by the CDH1 Variant Curation Expert Panel (Variant Interpretation Guidelines Version 3.1): PVS1_Strong, Supporting, PM2_Supporting

Labcorp Genetics (formerly Invitae), Labcorp
Classification: Pathogenic for Hereditary diffuse gastric adenocarcinoma. Last evaluated: 2022-03-01. Review status: criteria provided, single submitter. Criteria: Invitae Variant Classification Sherloc (09022015). Collection method: clinical testing. Allele origin: germline. Not counted in ClinVar's aggregate classification.
Comment: For these reasons, this variant has been classified as Pathogenic. This variant disrupts a region of the CDH1 protein in which other variant(s) (p.Glu836*) have been determined to be pathogenic (PMID: 29798843). This suggests that this is a clinically significant region of the protein, and that variants that disrupt it are likely to be disease-causing. ClinVar contains an entry for this variant (Variation ID: 428634). This premature translational stop signal has been observed in individuals with diffuse gastric cancer (PMID: 29798843; Invitae). This variant is not present in population databases (gnomAD no frequency). This sequence change creates a premature translational stop signal (p.Leu831Alafs*4) in the CDH1 gene. While this is not anticipated to result in nonsense mediated decay, it is expected to disrupt the last 52 amino acid(s) of the CDH1 protein.

Ambry Genetics
Classification: Likely pathogenic for Hereditary cancer-predisposing syndrome. Last evaluated: 2015-07-31. Review status: criteria provided, single submitter. Criteria: Ambry Variant Classification Scheme 2023. Collection method: clinical testing. Allele origin: germline. Not counted in ClinVar's aggregate classification.
Comment: The c.2490dupG variant, located in coding exon 16 of the CDH1 gene, results from a duplication of G at nucleotide position 2490, and causes a translational frameshift with a predicted alternate stop codon (p.L831Afs*4). Frameshifts are typically deleterious in nature, however, this frameshift occurs at the 3' terminus of CDH1, is not expected to trigger nonsense-mediated mRNA decay, and impacts only the last 52 amino acids of the protein. The exact functional impact of these altered amino acids is unknown at this time; however, the deleted region eliminates the catenin-binding domain, which is important for regulating the stability of cadherin mediated cell-cell adhesion (Ishiyama N et al. Cell 2010 Apr; 141(1):117-28). Based on the majority of available evidence to date, this variant is likely to be pathogenic.

Literature cited by the submitters: PubMed 29798843 (cited by Labcorp Genetics (formerly Invitae), Labcorp); PubMed 20371349 (cited by Ambry Genetics).